The following is an entry in ClinVar:

ClinVar aggregate classification (germline): Uncertain significance. Review status: criteria provided, multiple submitters, no conflicts (2 of 4 stars). 2 submissions from 2 submitters: Uncertain significance (2). Last evaluated 2025-08-10.

Conditions:
Blau syndrome (BLAUS). Also called: JABS SYNDROME; GRANULOMATOSIS, FAMILIAL JUVENILE SYSTEMIC; GRANULOMATOSIS, FAMILIAL, BLAU TYPE; GRANULOMATOUS INFLAMMATORY ARTHRITIS, DERMATITIS, AND UVEITIS, FAMILIAL; ARTHROCUTANEOUVEAL GRANULOMATOSIS. Identifiers: Orphanet 90340, MedGen C5201146, MONDO:0008523, OMIM 186580.
Regional enteritis. Also called: Enteritis, Granulomatous. Identifiers: MedGen C0678202, MeSH D003424.
Inborn genetic diseases. Identifiers: MedGen C0950123, MeSH D030342.

Allele frequency attached by ClinVar (database versions not stated): gnomAD exomes below 0.00001 and 0.00001; TOPMed below 0.00001; gnomAD 0.00001.
gnomAD v4.1: 11 of 1,614,064 alleles (0.00068%); highest among the groups gnomAD compares: Middle Eastern, 0.016%; no homozygotes.

Submissions (2):

Labcorp Genetics (formerly Invitae), Labcorp
Classification: Uncertain significance for Regional enteritis; Blau syndrome. Last evaluated: 2025-08-10. Review status: criteria provided, single submitter. Criteria: Invitae Variant Classification Sherloc (09022015). Collection method: clinical testing. Allele origin: germline.
Comment: This sequence change replaces leucine, which is neutral and non-polar, with glutamine, which is neutral and polar, at codon 89 of the NOD2 protein (p.Leu89Gln). This variant is present in population databases (no rsID available, gnomAD 0.003%). This variant has not been reported in the literature in individuals affected with NOD2-related conditions. ClinVar contains an entry for this variant (Variation ID: 1403506). Invitae Evidence Modeling of protein sequence and biophysical properties (such as structural, functional, and spatial information, amino acid conservation, physicochemical variation, residue mobility, and thermodynamic stability) has been performed for this missense variant. However, the output from this modeling did not meet the statistical confidence thresholds required to predict the impact of this variant on NOD2 protein function. In summary, the available evidence is currently insufficient to determine the role of this variant in disease. Therefore, it has been classified as a Variant of Uncertain Significance.

Ambry Genetics
Classification: Uncertain significance for Inborn genetic diseases. Last evaluated: 2021-06-18. Review status: criteria provided, single submitter. Criteria: Ambry Variant Classification Scheme 2023. Collection method: clinical testing. Allele origin: germline.

NM_001370466.1(NOD2):c.185T>A (p.Leu62Gln)

Gene: NOD2 (nucleotide binding oligomerization domain containing 2; plus strand). Cytogenetic location: 16q12.1.
Variant type: single nucleotide variant.
Coding change: c.185T>A on transcript NM_001370466.1 (MANE Select); coding-DNA position 185, T replaced by A.
Protein change: p.Leu62Gln; replaces leucine 62 with glutamine.
Molecular consequence: missense variant. On other transcripts: non-coding transcript variant (1).
Genome position (GRCh38, 1-based): chr16:50,699,680, T>A. VCF-style: chr16-50699680-T-A. GRCh37 (hg19) VCF-style: chr16-50733591-T-A.
Other names: c.185T>A, p.Leu62Gln (NM_001293557.2); c.266T>A, p.Leu89Gln (NM_022162.3); c.266T>A (NM_022162.1); short protein forms L62Q, L89Q.
Identifiers: ClinVar variation 1403506 (VCV001403506.9), dbSNP rs1286052486, ClinGen allele CA395865950.